The following is an entry in ClinVar:

ClinVar aggregate classification (germline): Pathogenic (1 of 4 stars; one submission).

Conditions:
Hereditary cancer-predisposing syndrome. Also called: Tumor predisposition; Neoplastic Syndromes, Hereditary; Hereditary neoplastic syndrome; Hereditary Cancer Syndrome. Identifiers: Orphanet 140162, MedGen C0027672, MeSH D009386, MONDO:0015356.

Submission:

Color Diagnostics, LLC DBA Color Health
Classification: Pathogenic for Hereditary cancer-predisposing syndrome. Last evaluated: 2020-04-08. Review status: criteria provided, single submitter. Criteria: ACMG Guidelines, 2015. Collection method: clinical testing. Allele origin: germline.
Comment: This variant changes 1 nucleotide in exon 4 of the BMPR1A gene, creating a premature translation stop signal. This variant is expected to result in an absent or non-functional protein product. To our knowledge, this variant has not been reported in individuals affected with hereditary cancer in the literature. This variant has not been identified in the general population by the Genome Aggregation Database (gnomAD). Loss of BMPR1A function is a known mechanism of disease. Based on the available evidence, this variant is classified as Pathogenic.

NM_004329.3(BMPR1A):c.189C>A (p.Cys63Ter)

Gene: BMPR1A (bone morphogenetic protein receptor type 1A; plus strand). Cytogenetic location: 10q23.2.
Variant type: single nucleotide variant.
Coding change: c.189C>A on transcript NM_004329.3 (MANE Select); coding-DNA position 189, C replaced by A.
Protein change: p.Cys63Ter; replaces cysteine 63 with a stop codon.
Molecular consequence: nonsense.
Genome position (GRCh38, 1-based): chr10:86,890,183, C>A. VCF-style: chr10-86890183-C-A. GRCh37 (hg19) VCF-style: chr10-88649940-C-A.
Other names: short protein forms C63*.
Identifiers: ClinVar variation 631320 (VCV000631320.4), dbSNP rs1413243663, ClinGen allele CA377447025.